The following is an entry in ClinVar:

ClinVar aggregate classification (germline): Uncertain significance. Review status: criteria provided, multiple submitters, no conflicts (2 of 4 stars). 2 submissions from 2 submitters: Uncertain significance (2). Last evaluated 2025-04-03.

Conditions:
Inborn genetic diseases. Identifiers: MedGen C0950123, MeSH D030342.

Allele frequency attached by ClinVar (database versions not stated): gnomAD exomes 0.00001.
gnomAD v4.1: 11 of 1,614,170 alleles (0.00068%); highest among the groups gnomAD compares: East Asian, 0.02%; no homozygotes.

Submissions (2):

Ambry Genetics
Classification: Uncertain significance for Inborn genetic diseases. Last evaluated: 2025-04-03. Review status: criteria provided, single submitter. Criteria: Ambry Variant Classification Scheme 2023. Collection method: clinical testing. Allele origin: germline.

Labcorp Genetics (formerly Invitae), Labcorp
Classification: Uncertain significance. Last evaluated: 2022-03-30. Review status: criteria provided, single submitter. Criteria: Invitae Variant Classification Sherloc (09022015). Collection method: clinical testing. Allele origin: germline.
Comment: In summary, the available evidence is currently insufficient to determine the role of this variant in disease. Therefore, it has been classified as a Variant of Uncertain Significance. Algorithms developed to predict the effect of missense changes on protein structure and function (SIFT, PolyPhen-2, Align-GVGD) all suggest that this variant is likely to be disruptive. This variant has not been reported in the literature in individuals affected with STN1-related conditions. This variant is not present in population databases (gnomAD no frequency). This sequence change replaces glycine, which is neutral and non-polar, with aspartic acid, which is acidic and polar, at codon 136 of the STN1 protein (p.Gly136Asp).

NM_024928.5(STN1):c.407G>A (p.Gly136Asp)

Gene: STN1 (STN1 subunit of CST complex; minus strand). Cytogenetic location: 10q24.33.
Variant type: single nucleotide variant.
Coding change: c.407G>A on transcript NM_024928.5 (MANE Select); coding-DNA position 407, G replaced by A.
Protein change: p.Gly136Asp; replaces glycine 136 with aspartic acid.
Molecular consequence: missense variant.
Genome position (GRCh38, 1-based): chr10:103,900,112, C>T on the plus strand (G>A on the coding strand, the complement: STN1 is on the minus strand). VCF-style: chr10-103900112-C-T. GRCh37 (hg19) VCF-style: chr10-105659870-C-T.
Other names: c.407G>A (NM_024928.4); short protein forms G136D.
Identifiers: ClinVar variation 1927867 (VCV001927867.5), dbSNP rs1360935761, ClinGen allele CA378047318.